The following is an entry in ClinVar:

NM_153270.3(KLHL34):c.1227C>T (p.Pro409=)

Gene: KLHL34 (kelch like family member 34; minus strand). Cytogenetic location: Xp22.12.
Variant type: single nucleotide variant.
Coding change: c.1227C>T on transcript NM_153270.3 (MANE Select); coding-DNA position 1227, C replaced by T.
Protein change: p.Pro409=; no amino-acid change (proline 409 retained).
Molecular consequence: synonymous variant.
Genome position (GRCh38, 1-based): chrX:21,656,562, G>A on the plus strand (C>T on the coding strand, the complement: KLHL34 is on the minus strand). VCF-style: chrX-21656562-G-A. GRCh37 (hg19) VCF-style: chrX-21674680-G-A.
Identifiers: ClinVar variation 2660150 (VCV002660150.24), dbSNP rs1380008042, ClinGen allele CA515615818.

ClinVar aggregate classification (germline): Likely benign (1 of 4 stars; one submission).

Allele frequency attached by ClinVar (database versions not stated): gnomAD exomes below 0.00001.
gnomAD v4.1: 1 of 1,200,298 alleles (0.000083%); highest among the groups gnomAD compares: East Asian, 0.003%; no homozygotes.

Submission:

CeGaT Center for Human Genetics Tuebingen
Classification: Likely benign. Last evaluated: 2022-05-01. Review status: criteria provided, single submitter. Criteria: CeGaT Center For Human Genetics Tuebingen Variant Classification Criteria Version 2. Collection method: clinical testing. Allele origin: germline. Affected: yes. Observed: 1 variant allele.
Comment: KLHL34: BP4, BP7